The following is an entry in ClinVar:

NM_001148.6(ANK2):c.4404+88G>A

Gene: ANK2 (ankyrin 2; plus strand). Cytogenetic location: 4q26.
Variant type: single nucleotide variant.
Coding change: c.4404+88G>A on transcript NM_001148.6 (MANE Select); 88 bases into the intron after coding-DNA position 4404, G replaced by A.
Molecular consequence: intron variant.
Genome position (GRCh38, 1-based): chr4:113,348,396, G>A. VCF-style: chr4-113348396-G-A. GRCh37 (hg19) VCF-style: chr4-114269552-G-A.
Other names: c.4389+88G>A (NM_001386186.2, NM_001386148.2); c.4191+88G>A (NM_001354269.3); c.4269+88G>A (NM_001386187.2); c.4231-1832G>A (NM_001386147.1); c.4248+88G>A (NM_001386160.1); c.4353+88G>A (NM_001354254.2); c.4374+88G>A (NM_001354239.2, NM_001354252.2); c.4275+88G>A (NM_001354272.2); and 33 more.
Identifiers: ClinVar variation 670938 (VCV000670938.2), dbSNP rs2272235, ClinGen allele CA11834891.

ClinVar aggregate classification (germline): Benign. Review status: criteria provided, multiple submitters, no conflicts (2 of 4 stars). 2 submissions from 2 submitters: Benign (2). Last evaluated 2018-06-18.

Allele frequency attached by ClinVar (database versions not stated): gnomAD exomes 0.16268; gnomAD 0.26996 and 0.27843; 1000 Genomes Project 0.28474; TOPMed 0.28967; 1000 Genomes Project 30x 0.29794.
gnomAD v4.1: 247,507 of 1,413,832 alleles (18%); highest among the groups gnomAD compares: African/African-American, 57%; 28,330 homozygotes.

Submissions (2):

GeneDx
Classification: Benign. Last evaluated: 2018-06-18. Review status: criteria provided, single submitter. Criteria: GeneDx Variant Classification (06012015). Collection method: clinical testing. Allele origin: germline. Affected: yes.
Comment: This variant is considered likely benign or benign based on one or more of the following criteria: it is a conservative change, it occurs at a poorly conserved position in the protein, it is predicted to be benign by multiple in silico algorithms, and/or has population frequency not consistent with disease.

Breakthrough Genomics
Classification: Benign. Review status: criteria provided, single submitter. Criteria: ACMG Guidelines, 2015. Collection method: not provided. Allele origin: germline. Inheritance: Autosomal dominant inheritance. Affected: yes.